The following is an entry in ClinVar:

NM_000098.3(CPT2):c.84C>T (p.Gly28=)

Genes: CPT2 (carnitine palmitoyltransferase 2; plus strand), LOC129930561 (ATAC-STARR-seq lymphoblastoid silent region 902; plus strand). Cytogenetic location: 1p32.3.
Variant type: single nucleotide variant.
Coding change: c.84C>T on transcript NM_000098.3 (MANE Select); coding-DNA position 84, C replaced by T.
Protein change: p.Gly28=; no amino-acid change (glycine 28 retained).
Molecular consequence: synonymous variant.
Genome position (GRCh38, 1-based): chr1:53,197,027, C>T. VCF-style: chr1-53197027-C-T. GRCh37 (hg19) VCF-style: chr1-53662699-C-T.
Other names: c.84C>T, p.Gly28= (NM_001330589.2).
Identifiers: ClinVar variation 784871 (VCV000784871.18), dbSNP rs772541454, ClinGen allele CA858891.

ClinVar aggregate classification (germline): Conflicting classifications of pathogenicity. Review status: criteria provided, conflicting classifications (1 of 4 stars). 5 submissions from 5 submitters: Uncertain significance (1); Benign (1); Likely benign (2). 1 of the submissions does not count toward it. Last evaluated 2026-02-02.

Conditions:
Carnitine palmitoyltransferase II deficiency. Also called: Carnitine Palmitoyltransferase 2 Deficiency. Identifiers: Orphanet 157, MedGen C0342790, MONDO:0015515.

Allele frequency attached by ClinVar (database versions not stated): gnomAD 0.00007; TOPMed 0.00007; gnomAD exomes 0.00017; ExAC 0.00018.
gnomAD v4.1: 123 of 1,536,514 alleles (0.008%); highest among the groups gnomAD compares: Non-Finnish European, 0.0018%; no homozygotes.

Submissions (5):

Labcorp Genetics (formerly Invitae), Labcorp
Classification: Likely benign for Carnitine palmitoyltransferase II deficiency. Last evaluated: 2026-02-02. Review status: criteria provided, single submitter. Criteria: Invitae Variant Classification Sherloc (09022015). Collection method: clinical testing. Allele origin: germline.

Blueprint Genetics
Classification: Likely benign. Last evaluated: 2024-06-21. Review status: criteria provided, single submitter. Criteria: ACMG Guidelines, 2015. Collection method: clinical testing. Allele origin: germline.

Women's Health and Genetics/Laboratory Corporation of America, LabCorp
Classification: Benign. Last evaluated: 2019-03-01. Review status: criteria provided, single submitter. Criteria: LabCorp Variant Classification Summary - May 2015. Collection method: clinical testing. Allele origin: germline.
Comment: Variant summary: CPT2 c.84C>T alters a conserved nucleotide resulting in a synonymous change. 5/5 computational tools predict no significant impact on normal splicing. However, these predictions have yet to be confirmed by functional studies. The variant allele was found at a frequency of 0.00017 in 155194 control chromosomes, predominantly at a frequency of 0.0025 within the Ashkenazi Jewish subpopulation in the gnomAD database. The observed variant frequency within Ashkenazi Jewish control individuals in the gnomAD database is approximately 1.6 fold of the estimated maximal expected allele frequency for a pathogenic variant in CPT2 causing Carnitine Palmitoyltransferase II Deficiency phenotype (0.0016), strongly suggesting that the variant is a benign polymorphism found primarily in populations of Ashkenazi Jewish origin. To our knowledge, no occurrence of c.84C>T in individuals affected with Carnitine Palmitoyltransferase II Deficiency and no experimental evidence demonstrating its impact on protein function have been reported. No clinical diagnostic laboratories have submitted clinical-significance assessments for this variant to ClinVar after 2014. Based on the evidence outlined above, the variant was classified as benign.

Illumina Laboratory Services, Illumina
Classification: Uncertain significance for Carnitine palmitoyltransferase II deficiency. Last evaluated: 2018-01-12. Review status: criteria provided, single submitter. Criteria: ICSL Variant Classification Criteria 13 December 2019. Collection method: clinical testing. Allele origin: germline.

Natera, Inc.
Classification: Uncertain significance for Carnitine palmitoyltransferase II deficiency. Last evaluated: 2020-01-17. Review status: no assertion criteria provided. Collection method: clinical testing. Allele origin: germline. Not counted in ClinVar's aggregate classification.